The following is an entry in ClinVar:

ClinVar aggregate classification (germline): Pathogenic (1 of 4 stars; one submission).

Conditions:
Nemaline myopathy 2 (NEM2). Also called: Nemaline myopathy 2, autosomal recessive. Identifiers: MedGen C1850569, MONDO:0009725, OMIM 256030.

Submission:

Labcorp Genetics (formerly Invitae), Labcorp
Classification: Pathogenic for Nemaline myopathy 2. Last evaluated: 2022-07-01. Review status: criteria provided, single submitter. Criteria: Invitae Variant Classification Sherloc (09022015). Collection method: clinical testing. Allele origin: germline.
Comment: For these reasons, this variant has been classified as Pathogenic. This variant has not been reported in the literature in individuals affected with NEB-related conditions. This variant is not present in population databases (gnomAD no frequency). This sequence change creates a premature translational stop signal (p.Asp6526Thrfs*27) in the NEB gene. It is expected to result in an absent or disrupted protein product. Loss-of-function variants in NEB are known to be pathogenic (PMID: 25205138).

Literature cited by the submitters: PubMed 25205138.

NM_001164508.2(NEB):c.19575del (p.Asp6526fs)

Genes: NEB (nebulin; minus strand), LOC126806373 (BRD4-independent group 4 enhancer GRCh37_chr2:152410007-152411206; plus strand). Cytogenetic location: 2q23.3.
Variant type: Deletion.
Coding change: c.19575del on transcript NM_001164508.2 (MANE Select); coding-DNA position 19575, one base deleted (C; older notation c.19575delC).
Protein change: p.Asp6526fs; shifts the reading frame from aspartic acid 6526.
Molecular consequence: frameshift variant.
Genome position (GRCh38, 1-based): chr2:151,553,879, G deleted on the plus strand (C on the coding strand, the reverse complement: NEB is on the minus strand); the first of 4 consecutive G bases (chr2:151,553,879-151,553,882); deleting any one gives the same sequence. VCF-style (leftmost placement, unchanged base first): chr2-151553878-CG-C. GRCh37 (hg19) VCF-style: chr2-152410392-CG-C.
Other names: c.19575del, p.Asp6526fs (NM_001164507.2, NM_001271208.2); c.14472del, p.Asp4825fs (NM_004543.5); short protein forms D4825fs, D6526fs.
Identifiers: ClinVar variation 2012746 (VCV002012746.4), dbSNP rs2552185315, ClinGen allele CA2580063975.